The following is an entry in ClinVar:

ClinVar aggregate classification (germline): Uncertain significance (1 of 4 stars; one submission).

Allele frequency attached by ClinVar (database versions not stated): gnomAD exomes below 0.00001.
gnomAD v4.1: 1 of 1,613,912 alleles (0.000062%); highest among the groups gnomAD compares: South Asian, 0.0011%; no homozygotes.

Submission:

GeneDx
Classification: Uncertain significance. Last evaluated: 2023-01-07. Review status: criteria provided, single submitter. Criteria: GeneDx Variant Classification Process June 2021. Collection method: clinical testing. Allele origin: germline. Affected: yes.
Comment: Not observed at significant frequency in large population cohorts (gnomAD); In silico analysis supports that this missense variant has a deleterious effect on protein structure/function; Has not been previously published as pathogenic or benign to our knowledge

NM_001324418.2(ADAM22):c.481T>C (p.Phe161Leu)

Gene: ADAM22 (ADAM metallopeptidase domain 22; plus strand). Cytogenetic location: 7q21.12.
Variant type: single nucleotide variant.
Coding change: c.481T>C on transcript NM_001324418.2 (MANE Select); coding-DNA position 481, T replaced by C.
Protein change: p.Phe161Leu; replaces phenylalanine 161 with leucine.
Molecular consequence: missense variant.
Genome position (GRCh38, 1-based): chr7:88,114,591, T>C. VCF-style: chr7-88114591-T-C. GRCh37 (hg19) VCF-style: chr7-87743906-T-C.
Other names: c.478T>C, p.Phe160Leu (NM_001324417.2, NM_001324419.2, NM_001391978.1 and 2 more transcripts); c.481T>C, p.Phe161Leu (NM_001324420.2, NM_001324421.2, NM_001391976.1 and 6 more transcripts); c.532T>C, p.Phe178Leu (NM_001391975.1, NM_001391980.1, NM_001391982.1); short protein forms F160L, F161L, F178L.
Identifiers: ClinVar variation 2571701 (VCV002571701.1), dbSNP rs2535490945, ClinGen allele CA368066138.
Genomic context (GRCh38, chr7:88,114,591, plus strand): 5'-GTTCTGGGATGAGAGTCGATGGCCATGCCTAATTATTTTTTTGTCGTTGGCAGTGGGATG[T>C]TCTATGACGGGAACCACACATATCTCATTGAGCCAGAAGAAAATGACACTACTCAAGTAA-3'
Protein context (NP_001311347.1, residues 151-171): LSTCHGLHGM[Phe161Leu]YDGNHTYLIE